The following is an entry in ClinVar:

NM_001277115.2(DNAH11):c.13309C>T (p.Arg4437Cys)

Genes: CDCA7L (cell division cycle associated 7 like; minus strand), DNAH11 (dynein axonemal heavy chain 11; plus strand). Cytogenetic location: 7p15.3.
Variant type: single nucleotide variant.
Coding change: c.13309C>T on transcript NM_001277115.2 (MANE Select); coding-DNA position 13309, C replaced by T.
Protein change: p.Arg4437Cys; replaces arginine 4437 with cysteine.
Molecular consequence: missense variant. On other transcripts: 3 prime UTR variant (3).
Genome position (GRCh38, 1-based): chr7:21,901,012, C>T. VCF-style: chr7-21901012-C-T. GRCh37 (hg19) VCF-style: chr7-21940630-C-T.
Other names: NM_001277115.2(DNAH11):c.13309C>T; p.Arg4437Cys; c.13330C>T (NM_003777.3); c.*1310G>A (NM_001127370.3, NM_001127371.3, NM_018719.5); short protein forms R4437C.
Identifiers: ClinVar variation 359697 (VCV000359697.16), dbSNP rs200466467, ClinGen allele CA4183452.

ClinVar aggregate classification (germline): Uncertain significance. Review status: criteria provided, multiple submitters, no conflicts (2 of 4 stars). 7 submissions from 7 submitters: Uncertain significance (7). Last evaluated 2025-02-20.

Conditions:
Primary ciliary dyskinesia 7. Also called: CILIARY DYSKINESIA, PRIMARY, 7, WITH OR WITHOUT SITUS INVERSUS. Identifiers: Orphanet 244, MedGen C2678473, MONDO:0012748, OMIM 611884.
Primary ciliary dyskinesia. Also called: Ciliary dyskinesia. Identifiers: Orphanet 244, MedGen C0008780, MONDO:0016575, HP:0012265.

Allele frequency attached by ClinVar (database versions not stated): TOPMed 0.00034; gnomAD 0.00027 and 0.00031; ESP Exome Variant Server 0.00033; ExAC 0.00037; gnomAD exomes 0.00035; 1000 Genomes Project 0.00140; 1000 Genomes Project 30x 0.00141.
gnomAD v4.1: 274 of 1,591,692 alleles (0.017%); highest among the groups gnomAD compares: East Asian, 0.1%; no homozygotes.

Submissions (7):

Broad Center for Mendelian Genomics, Broad Institute of MIT and Harvard
Classification: Uncertain significance for Primary ciliary dyskinesia 7. Last evaluated: 2025-02-20. Review status: criteria provided, single submitter. Criteria: ACMG Guidelines, 2015. Collection method: curation. Allele origin: germline. Inheritance: Autosomal recessive inheritance.
Comment: The p.Arg4437Cys variant in DNAH11 has been reported in 2 siblings with primary ciliary dyskinesia (PMID: 24450482), and has been identified in 0.10% (45/44512) of East Asian chromosomes by the Genome Aggregation Database (gnomAD; dbSNP rs200466467). Although this variant has been seen in the general population in a heterozygous state, its frequency is not high enough to rule out a pathogenic role. This variant has also been reported in ClinVar (Variation ID: 359697) and has been interpreted as a variant of uncertain significance by Illumina, Ambry Genetics, and Invitae. Computational prediction tools, including splice predictors and conservation analyses, suggest that this variant may not impact the protein, though this information is not predictive enough to rule out pathogenicity. In summary, the clinical significance of the p.Arg4437Cys variant is uncertain. ACMG/AMP Criteria applied: BP4 (Richards 2015).

Molecular Genetics McLendon Clinical Laboratories, University of North Carolina at Chapel Hill
Classification: Uncertain significance for Primary ciliary dyskinesia. Last evaluated: 2024-09-11. Review status: criteria provided, single submitter. Criteria: ACMG Guidelines, 2015. Collection method: clinical testing. Allele origin: germline.

Blueprint Genetics
Classification: Uncertain significance. Last evaluated: 2023-12-15. Review status: criteria provided, single submitter. Criteria: ACMG Guidelines, 2015. Collection method: clinical testing. Allele origin: germline.

Labcorp Genetics (formerly Invitae), Labcorp
Classification: Uncertain significance for Primary ciliary dyskinesia. Last evaluated: 2022-08-21. Review status: criteria provided, single submitter. Criteria: Invitae Variant Classification Sherloc (09022015). Collection method: clinical testing. Allele origin: germline.
Comment: This sequence change replaces arginine, which is basic and polar, with cysteine, which is neutral and slightly polar, at codon 4437 of the DNAH11 protein (p.Arg4437Cys). This variant is present in population databases (rs200466467, gnomAD 0.2%). This missense change has been observed in individual(s) with primary ciliary dyskinesia (PMID: 24450482). ClinVar contains an entry for this variant (Variation ID: 359697). Advanced modeling of protein sequence and biophysical properties (such as structural, functional, and spatial information, amino acid conservation, physicochemical variation, residue mobility, and thermodynamic stability) performed at Invitae indicates that this missense variant is not expected to disrupt DNAH11 protein function. In summary, the available evidence is currently insufficient to determine the role of this variant in disease. Therefore, it has been classified as a Variant of Uncertain Significance.

Department of Pathology and Laboratory Medicine, Sinai Health System
Classification: Uncertain significance for primary ciliary dyskinesia 7. Last evaluated: 2022-05-05. Review status: criteria provided, single submitter. Criteria: ACMG Guidelines, 2015. Collection method: research. Allele origin: germline.

Ambry Genetics
Classification: Uncertain significance for Primary ciliary dyskinesia. Last evaluated: 2014-09-12. Review status: criteria provided, single submitter. Criteria: Ambry General Variant Classification Scheme_2022. Collection method: clinical testing. Allele origin: germline. Observed: 1 variant allele.
Comment: The p.R4444C variant (also known as c.13330C>T and p.R4437C), located in coding exon 82 of the DNAH11 gene, results from a C to T substitution at nucleotide position 13330. The arginine at codon 4444 is replaced by cysteine, an amino acid with highly dissimilar properties. This alteration was first reported as p.R4437C and identified in two related individuals with primary ciliary diskinesia who also carried the c.9103-2A>C alteration; however, the phase (cis/trans) of the two alterations is not known (Boon M et al. Orphanet J Rare Dis. 2014;9(1):11). This variant was previously reported in the SNPDatabase as rs200466467. Based on data from the NHLBI Exome Sequencing Project (ESP), the T allele has an overall frequency of approximately 0.03% (4/11958) total alleles studied, having been observed in 0.08% (3/3764) African American alleles and 0.01% (1/8194) European American alleles. This amino acid position is well conserved in available vertebrate species. In addition, this alteration is predicted to be probably damaging but tolerated by PolyPhen and SIFT in silico analyses, respectively. Since supporting evidence is limited at this time, the clinical significance of this variant remains unclear.

Breakthrough Genomics
Classification: Uncertain significance. Review status: criteria provided, single submitter. Criteria: ACMG Guidelines, 2015. Collection method: not provided. Allele origin: germline. Inheritance: Autosomal recessive inheritance. Affected: yes.

Literature cited by the submitters: PubMed 24450482 (cited by Labcorp Genetics (formerly Invitae), Labcorp and Ambry Genetics).